The following is an entry in ClinVar:

NM_005359.6(SMAD4):c.195A>C (p.Gly65=)

Gene: SMAD4 (SMAD family member 4; plus strand). Cytogenetic location: 18q21.2.
Variant type: single nucleotide variant.
Coding change: c.195A>C on transcript NM_005359.6 (MANE Select); coding-DNA position 195, A replaced by C.
Protein change: p.Gly65=; no amino-acid change (glycine 65 retained).
Molecular consequence: synonymous variant.
Genome position (GRCh38, 1-based): chr18:51,047,241, A>C. VCF-style: chr18-51047241-A-C. GRCh37 (hg19) VCF-style: chr18-48573611-A-C.
Identifiers: ClinVar variation 1154376 (VCV001154376.10), dbSNP rs2144401586, ClinGen allele CA503873483.

ClinVar aggregate classification (germline): Benign/Likely benign. Review status: criteria provided, multiple submitters, no conflicts (2 of 4 stars). 2 submissions from 2 submitters: Benign (1); Likely benign (1). Last evaluated 2025-03-18.

Conditions:
Juvenile polyposis syndrome (JPS). Identifiers: Orphanet 2929, MedGen C0345893, MONDO:0017380, OMIM 174900.
Juvenile polyposis/hereditary hemorrhagic telangiectasia syndrome (JPHT). Also called: JP/HHT SYNDROME; JUVENILE POLYPOSIS WITH HEREDITARY HEMORRHAGIC TELANGIECTASIA; POLYPOSIS, GENERALIZED JUVENILE, WITH PULMONARY ARTERIOVENOUS MALFORMATION; TELANGIECTASIA, HEREDITARY HEMORRHAGIC, WITH JUVENILE POLYPOSIS COLI; Juvenile Polyposis Syndrome / Hereditary Hemorrhagic Telangiectasia (JPS/HHT). Identifiers: Orphanet 2929, MedGen C1832942, MONDO:0008278, OMIM 175050.

Submissions (2):

Myriad Genetics, Inc.
Classification: Benign for Juvenile polyposis/hereditary hemorrhagic telangiectasia syndrome. Last evaluated: 2025-03-18. Review status: criteria provided, single submitter. Criteria: Myriad Autosomal Dominant, Autosomal Recessive and X-Linked Classification Criteria (2023). Collection method: clinical testing. Allele origin: unknown.
Comment: This variant is considered benign. This variant is a silent/synonymous amino acid change and it is not expected to impact splicing.

Labcorp Genetics (formerly Invitae), Labcorp
Classification: Likely benign for Juvenile polyposis syndrome. Last evaluated: 2023-11-27. Review status: criteria provided, single submitter. Criteria: Invitae Variant Classification Sherloc (09022015). Collection method: clinical testing. Allele origin: germline.